The following is an entry in ClinVar:

ClinVar aggregate classification (germline): Benign/Likely benign. Review status: criteria provided, multiple submitters, no conflicts (2 of 4 stars). 6 submissions from 6 submitters: Benign (1); Likely benign (5). Last evaluated 2025-05-08.

Conditions:
Tuberous sclerosis 2 (TSC2). Identifiers: Orphanet 805, MedGen C1860707, MONDO:0013199, OMIM 613254.
Hereditary cancer-predisposing syndrome. Also called: Tumor predisposition; Neoplastic Syndromes, Hereditary; Hereditary neoplastic syndrome; Hereditary Cancer Syndrome. Identifiers: Orphanet 140162, MedGen C0027672, MeSH D009386, MONDO:0015356.
Tuberous sclerosis syndrome (TSC). Also called: Tuberous sclerosis; Tuberous Sclerosis Complex. Identifiers: Orphanet 805, MedGen C0041341, MONDO:0001734.

Allele frequency attached by ClinVar (database versions not stated): gnomAD exomes below 0.00001.

Submissions (6):

Myriad Genetics, Inc.
Classification: Benign for Tuberous sclerosis 2. Last evaluated: 2025-05-08. Review status: criteria provided, single submitter. Criteria: Myriad Autosomal Dominant, Autosomal Recessive and X-Linked Classification Criteria (2023). Collection method: clinical testing. Allele origin: unknown.
Comment: This variant is considered benign. This variant is a silent/synonymous amino acid change and it is not expected to impact splicing.

Labcorp Genetics (formerly Invitae), Labcorp
Classification: Likely benign for Tuberous sclerosis 2. Last evaluated: 2025-01-14. Review status: criteria provided, single submitter. Criteria: Invitae Variant Classification Sherloc (09022015). Collection method: clinical testing. Allele origin: germline.

All of Us Research Program, National Institutes of Health
Classification: Likely benign for Tuberous sclerosis syndrome. Last evaluated: 2023-04-03. Review status: criteria provided, single submitter. Criteria: ACMG Guidelines, 2015. Collection method: clinical testing. Allele origin: germline. Inheritance: Autosomal dominant inheritance. Observed: 1 variant allele, 1 heterozygote.
Comment: This study involves interpretation of variants in research participants for the purpose of population health screening. Participant phenotype was not available at the time of variant classification. Additional details can be found in publication PMID: 35346344, PMCID: PMC8962531

Blueprint Genetics
Classification: Likely benign. Last evaluated: 2022-09-23. Review status: criteria provided, single submitter. Criteria: ACMG Guidelines, 2015. Collection method: clinical testing. Allele origin: germline.

Color Diagnostics, LLC DBA Color Health
Classification: Likely benign for Tuberous sclerosis syndrome. Last evaluated: 2022-09-12. Review status: criteria provided, single submitter. Criteria: ACMG Guidelines, 2015. Collection method: clinical testing. Allele origin: germline.

Ambry Genetics
Classification: Likely benign for Hereditary cancer-predisposing syndrome. Last evaluated: 2022-03-10. Review status: criteria provided, single submitter. Criteria: Ambry Variant Classification Scheme 2023. Collection method: clinical testing. Allele origin: germline.

NM_000548.5(TSC2):c.609T>C (p.Cys203=)

Gene: TSC2 (TSC complex subunit 2; plus strand). Cytogenetic location: 16p13.3.
Variant type: single nucleotide variant.
Coding change: c.609T>C on transcript NM_000548.5 (MANE Select); coding-DNA position 609, T replaced by C.
Protein change: p.Cys203=; no amino-acid change (cysteine 203 retained).
Molecular consequence: synonymous variant.
Genome position (GRCh38, 1-based): chr16:2,056,205, T>C. VCF-style: chr16-2056205-T-C. GRCh37 (hg19) VCF-style: chr16-2106206-T-C.
Other names: c.609T>C, p.Cys203= (NM_001077183.3, NM_001114382.3, NM_001363528.2 and 3 more transcripts); c.498T>C, p.Cys166= (NM_001318827.2); c.462T>C, p.Cys154= (NM_001318829.2); c.9T>C, p.Cys3= (NM_001318831.2); c.642T>C, p.Cys214= (NM_001318832.2).
Identifiers: ClinVar variation 797147 (VCV000797147.16), dbSNP rs1596275256, ClinGen allele CA492956278.
Genomic context (GRCh38, chr16:2,056,205, plus strand): 5'-GCTCGGCCATCCAGGCAGTGCTGCCGGGACTGAGCTCGGTGCTCCCTGCAGGATGATCTG[T>C]CTGCTGTGCGTCCGGACCGCGTCCTCTGTGGACATAGAGGTCAGTGCCTCCCCTCCCCAG-3'
Protein context (NP_000539.2, residues 193-213): EYIARMVQMI[Cys203=]LLCVRTASSV